The following is an entry in ClinVar:

ClinVar aggregate classification (germline): Likely benign (1 of 4 stars; one submission).

Submission:

GeneDx
Classification: Likely benign. Last evaluated: 2018-03-09. Review status: criteria provided, single submitter. Criteria: GeneDx Variant Classification (06012015). Collection method: clinical testing. Allele origin: germline. Affected: yes.
Comment: This variant is considered likely benign or benign based on one or more of the following criteria: it is a conservative change, it occurs at a poorly conserved position in the protein, it is predicted to be benign by multiple in silico algorithms, and/or has population frequency not consistent with disease.

NM_000302.4(PLOD1):c.1098-4G>A

Gene: PLOD1 (procollagen-lysine,2-oxoglutarate 5-dioxygenase 1; plus strand). Cytogenetic location: 1p36.22.
Variant type: single nucleotide variant.
Coding change: c.1098-4G>A on transcript NM_000302.4 (MANE Select); 4 bases into the intron before coding-DNA position 1098, G replaced by A.
Molecular consequence: intron variant.
Genome position (GRCh38, 1-based): chr1:11,963,528, G>A. VCF-style: chr1-11963528-G-A. GRCh37 (hg19) VCF-style: chr1-12023585-G-A.
Other names: c.1239-4G>A (NM_001316320.2).
Identifiers: ClinVar variation 515904 (VCV000515904.1), dbSNP rs1553135998, ClinGen allele CA658795393.
Genomic context (GRCh38, chr1:11,963,528, plus strand): 5'-GATGTGAGCAGCCACCAGTAGCTCCAGGATCAGGTGCACTGACCCTGTGTCCTCCTCCTT[G>A]CAGAGACCTGTGCCGGCAGGACCGCAGCTGCACCTACTACTTCAGCGTGGATGCTGACGT-3'